The following is an entry in ClinVar:

ClinVar aggregate classification (germline): Conflicting classifications of pathogenicity. Review status: criteria provided, conflicting classifications (1 of 4 stars). 4 submissions from 4 submitters: Uncertain significance (2); Likely benign (2). Last evaluated 2025-07-01.

Conditions:
UBQLN2-related disorder. Also called: UBQLN2-related condition.
Amyotrophic lateral sclerosis type 15. Also called: AMYOTROPHIC LATERAL SCLEROSIS 15 WITH FRONTOTEMPORAL DEMENTIA. Identifiers: Orphanet 803, MedGen C3275459, MONDO:0010459, OMIM 300857.

Allele frequency attached by ClinVar (database versions not stated): TOPMed 0.00001; gnomAD exomes 0.00002.
gnomAD v4.1: 19 of 1,211,299 alleles (0.0016%); highest among the groups gnomAD compares: Middle Eastern, 0.046%; no homozygotes.

Submissions (4):

CeGaT Center for Human Genetics Tuebingen
Classification: Likely benign. Last evaluated: 2025-07-01. Review status: criteria provided, single submitter. Criteria: CeGaT Center For Human Genetics Tuebingen Variant Classification Criteria Version 2. Collection method: clinical testing. Allele origin: germline. Affected: yes. Observed: 3 variant alleles.
Comment: UBQLN2: BP4, BS2

Labcorp Genetics (formerly Invitae), Labcorp
Classification: Likely benign for Amyotrophic lateral sclerosis type 15. Last evaluated: 2024-10-18. Review status: criteria provided, single submitter. Criteria: Invitae Variant Classification Sherloc (09022015). Collection method: clinical testing. Allele origin: germline.

PreventionGenetics, part of Exact Sciences
Classification: Uncertain significance for UBQLN2-related condition. Last evaluated: 2023-05-26. Review status: criteria provided, single submitter. Criteria: ACMG Guidelines, 2015. Collection method: clinical testing. Allele origin: germline.
Comment: The UBQLN2 c.1019G>T variant is predicted to result in the amino acid substitution p.Ser340Ile. This variant was reported in an individual with amyotrophic lateral sclerosis (ALS) (McCann et al. 2020. PubMed ID: 32409511). The author suggested incomplete penetrance in this family (Kotan et al. 2016. PubMed ID: 28373810). This variant is reported in 0.0037% of alleles in individuals of Latino descent in gnomAD and is interpreted as likely benign in ClinVar. At this time, the clinical significance of this variant is uncertain due to the absence of conclusive functional and genetic evidence.

Department of Pathology and Laboratory Medicine, Sinai Health System
Classification: Uncertain significance for Amyotrophic lateral sclerosis type 15. Last evaluated: 2022-08-08. Review status: criteria provided, single submitter. Criteria: ACMG Guidelines, 2015. Collection method: research. Allele origin: germline.

NM_013444.4(UBQLN2):c.1019G>T (p.Ser340Ile)

Gene: UBQLN2 (ubiquilin 2; plus strand). Cytogenetic location: Xp11.21.
Variant type: single nucleotide variant.
Coding change: c.1019G>T on transcript NM_013444.4 (MANE Select); coding-DNA position 1019, G replaced by T.
Protein change: p.Ser340Ile; replaces serine 340 with isoleucine.
Molecular consequence: missense variant.
Genome position (GRCh38, 1-based): chrX:56,564,892, G>T. VCF-style: chrX-56564892-G-T. GRCh37 (hg19) VCF-style: chrX-56591325-G-T.
Other names: c.1019G>T (NM_013444.3); short protein forms S340I.
Identifiers: ClinVar variation 1607950 (VCV001607950.32), dbSNP rs201549050, ClinGen allele CA330041875.